The following is an entry in ClinVar:

NM_001148.6(ANK2):c.8627T>C (p.Val2876Ala)

Gene: ANK2 (ankyrin 2; plus strand). Cytogenetic location: 4q26.
Variant type: single nucleotide variant.
Coding change: c.8627T>C on transcript NM_001148.6 (MANE Select); coding-DNA position 8627, T replaced by C.
Protein change: p.Val2876Ala; replaces valine 2876 with alanine.
Molecular consequence: missense variant. On other transcripts: intron variant (68).
Genome position (GRCh38, 1-based): chr4:113,357,245, T>C. VCF-style: chr4-113357245-T-C. GRCh37 (hg19) VCF-style: chr4-114278401-T-C.
Other names: c.8393T>C, p.Val2798Ala (NM_001386142.1); c.5027T>C, p.Val1676Ala (NM_001386166.1); c.8768T>C, p.Val2923Ala (NM_001386174.1); c.8744T>C, p.Val2915Ala (NM_001386175.1); c.4412-3578T>C (NM_001386186.2, NM_001386148.2); c.4214-3578T>C (NM_001354269.3); c.4292-3578T>C (NM_001386187.2); c.4253-3578T>C (NM_001386147.1); and 35 more; short protein forms V2798A, V2876A, V2915A, V2923A, V1676A.
Identifiers: ClinVar variation 4096187 (VCV004096187.1).

ClinVar aggregate classification (germline): Uncertain significance (1 of 4 stars; one submission).

Conditions:
Cardiovascular phenotype. Identifiers: MedGen CN230736.

gnomAD v4.1: 4 of 1,613,662 alleles (0.00025%); highest among the groups gnomAD compares: African/African-American, 0.0027%; no homozygotes.

Submission:

Ambry Genetics
Classification: Uncertain significance for Cardiovascular phenotype. Last evaluated: 2025-07-06. Review status: criteria provided, single submitter. Criteria: Ambry Variant Classification Scheme 2023. Collection method: clinical testing. Allele origin: germline.
Comment: The p.V2876A variant (also known as c.8627T>C), located in coding exon 38 of the ANK2 gene, results from a T to C substitution at nucleotide position 8627. The valine at codon 2876 is replaced by alanine, an amino acid with similar properties. This amino acid position is conserved. In addition, this alteration is predicted to be tolerated by in silico analysis. Based on the available evidence, the clinical significance of this variant remains unclear.